The following is an entry in ClinVar:

ClinVar aggregate classification (germline): Pathogenic (1 of 4 stars; one submission).

Conditions:
Warsaw breakage syndrome (WABS). Also called: DDX11-Related Cohesinopathy. Identifiers: Orphanet 280558, MedGen C3150658, MONDO:0013252, OMIM 613398.

Submission:

Women's Health and Genetics/Laboratory Corporation of America, LabCorp
Classification: Pathogenic for Warsaw breakage syndrome. Last evaluated: 2025-09-05. Review status: criteria provided, single submitter. Criteria: LabCorp Variant Classification Summary - May 2015. Collection method: clinical testing. Allele origin: germline.
Comment: Variant summary: DDX11 c.2047C>T (p.Gln683X) results in a premature termination codon, predicted to cause a truncation of the encoded protein or absence of the protein due to nonsense mediated decay, which are commonly known mechanisms for disease. The variant allele was found at a frequency of 4e-06 in 251446 control chromosomes. To our knowledge, no occurrence of c.2047C>T in individuals affected with DDX11-related conditions and no experimental evidence demonstrating its impact on protein function have been reported. No submitters have cited clinical-significance assessments for this variant to ClinVar. Based on the evidence outlined above, the variant was classified as pathogenic.

NM_030653.4(DDX11):c.2047C>T (p.Gln683Ter)

Gene: DDX11 (DEAD/H-box helicase 11; plus strand). Cytogenetic location: 12p11.21.
Variant type: single nucleotide variant.
Coding change: c.2047C>T on transcript NM_030653.4 (MANE Select); coding-DNA position 2047, C replaced by T.
Protein change: p.Gln683Ter; replaces glutamine 683 with a stop codon.
Molecular consequence: nonsense. On other transcripts: non-coding transcript variant (4).
Genome position (GRCh38, 1-based): chr12:31,101,125, C>T. VCF-style: chr12-31101125-C-T. GRCh37 (hg19) VCF-style: chr12-31254059-C-T.
Other names: c.2047C>T, p.Gln683Ter (NM_001257144.2, NM_001413692.1, NM_001413693.1 and 5 more transcripts); c.1969C>T, p.Gln657Ter (NM_001257145.2, NM_001413697.1, NM_001413698.1 and 1 more transcripts); c.1960C>T, p.Gln654Ter (NM_001413700.1); c.1519C>T, p.Gln507Ter (NM_001413702.1, NM_001413703.1); c.1186C>T, p.Gln396Ter (NM_001413704.1, NM_001413705.1); c.1081C>T, p.Gln361Ter (NM_001413706.1); short protein forms Q361*, Q396*, Q507*, Q654*, Q657*, Q683*.
Identifiers: ClinVar variation 4535704 (VCV004535704.1).
Genomic context (GRCh38, chr12:31,101,125, plus strand): 5'-ATCTGCAGCGGGATCTCCAACCAGCCGCTGGAATTCACGTTCCAGAAAAGAGAGCTGCCT[C>T]AGATGGTCAGTCCCAGCCAGCTCGCCGCACCACAGCCTGGCCTCAGGCAGCAAAGGGTTT-3'